The following is an entry in ClinVar:

NM_003919.3(SGCE):c.770C>T (p.Thr257Ile)

Genes: CASD1 (CAS1 domain sialic acid O acetyltransferase 1; plus strand), SGCE (sarcoglycan epsilon; minus strand). Cytogenetic location: 7q21.3.
Variant type: single nucleotide variant.
Coding change: c.770C>T on transcript NM_003919.3 (MANE Select); coding-DNA position 770, C replaced by T.
Protein change: p.Thr257Ile; replaces threonine 257 with isoleucine.
Molecular consequence: missense variant.
Genome position (GRCh38, 1-based): chr7:94,603,345, G>A on the plus strand (C>T on the coding strand, the complement: SGCE is on the minus strand). VCF-style: chr7-94603345-G-A. GRCh37 (hg19) VCF-style: chr7-94232657-G-A.
Other names: c.770C>T, p.Thr257Ile (NM_001099400.2, NM_001099401.2, NM_001346717.2); c.647C>T, p.Thr216Ile (NM_001301139.2, NM_001362809.2); c.878C>T, p.Thr293Ile (NM_001346713.2, NM_001346715.2); c.683C>T, p.Thr228Ile (NM_001346719.2, NM_001362807.2); c.497C>T, p.Thr166Ile (NM_001346720.2, NM_001362808.2); short protein forms T228I, T257I, T293I, T166I, T216I.
Identifiers: ClinVar variation 2749278 (VCV002749278.3), dbSNP rs2484973376, ClinGen allele CA368232096.

ClinVar aggregate classification (germline): Uncertain significance (1 of 4 stars; one submission).

Conditions:
Myoclonic dystonia 11 (DYT11). Also called: Myoclonic dystonia; Dystonia 11; Dystonia, alcohol responsive; Hereditary essential myoclonus; SGCE Myoclonus-Dystonia; Myoclonus-Dystonia. Identifiers: Orphanet 36899, MedGen C1834570, MONDO:0008044, OMIM 159900.

Submission:

Labcorp Genetics (formerly Invitae), Labcorp
Classification: Uncertain significance for Myoclonic dystonia 11. Last evaluated: 2023-05-30. Review status: criteria provided, single submitter. Criteria: Invitae Variant Classification Sherloc (09022015). Collection method: clinical testing. Allele origin: germline.
Comment: This sequence change replaces threonine, which is neutral and polar, with isoleucine, which is neutral and non-polar, at codon 257 of the SGCE protein (p.Thr257Ile). This variant is not present in population databases (gnomAD no frequency). This variant has not been reported in the literature in individuals affected with SGCE-related conditions. Advanced modeling of protein sequence and biophysical properties (such as structural, functional, and spatial information, amino acid conservation, physicochemical variation, residue mobility, and thermodynamic stability) performed at Invitae indicates that this missense variant is not expected to disrupt SGCE protein function. In summary, the available evidence is currently insufficient to determine the role of this variant in disease. Therefore, it has been classified as a Variant of Uncertain Significance.